The following is an entry in ClinVar:

NM_000122.2(ERCC3):c.1163A>G (p.Gln388Arg)

Gene: ERCC3 (ERCC excision repair 3, TFIIH core complex helicase subunit; minus strand). Cytogenetic location: 2q14.3.
Variant type: single nucleotide variant.
Coding change: c.1163A>G on transcript NM_000122.2 (MANE Select); coding-DNA position 1163, A replaced by G.
Protein change: p.Gln388Arg; replaces glutamine 388 with arginine.
Molecular consequence: missense variant.
Genome position (GRCh38, 1-based): chr2:127,286,882, T>C on the plus strand (A>G on the coding strand, the complement: ERCC3 is on the minus strand). VCF-style: chr2-127286882-T-C. GRCh37 (hg19) VCF-style: chr2-128044458-T-C.
Other names: c.971A>G, p.Gln324Arg (NM_001303416.2, NM_001303418.2); short protein forms Q324R, Q388R.
Identifiers: ClinVar variation 2098116 (VCV002098116.5), dbSNP rs370645943, ClinGen allele CA55337196.
Genomic context (GRCh38, chr2:127,286,882, plus strand): 5'-CTAATGGCAACGGAGCAGCCGATGGGCTTGTCCTTGGCATCGGAGGTGAACCGGCAGATC[T>C]GGCTGTCGTCAATGGTGGACCACATCTTGAACTGGGCTTTCCACTGCTCCACAGAAACAG-3'
Protein context (NP_000113.1, residues 378-398): FKMWSTIDDS[Gln388Arg]ICRFTSDAKD

ClinVar aggregate classification (germline): Uncertain significance. Review status: criteria provided, multiple submitters, no conflicts (2 of 4 stars). 2 submissions from 2 submitters: Uncertain significance (2). Last evaluated 2023-06-27.

Allele frequency attached by ClinVar (database versions not stated): gnomAD exomes below 0.00001; TOPMed below 0.00001; ESP Exome Variant Server 0.00008.
gnomAD v4.1: 5 of 1,614,210 alleles (0.00031%); highest among the groups gnomAD compares: Non-Finnish European, 0.00042%; no homozygotes.

Submissions (2):

GeneDx
Classification: Uncertain significance. Last evaluated: 2023-06-27. Review status: criteria provided, single submitter. Criteria: GeneDx Variant Classification Process June 2021. Collection method: clinical testing. Allele origin: germline. Affected: yes.
Comment: Not observed at significant frequency in large population cohorts (gnomAD); In silico analysis supports that this missense variant does not alter protein structure/function; Has not been previously published as pathogenic or benign to our knowledge

Labcorp Genetics (formerly Invitae), Labcorp
Classification: Uncertain significance. Last evaluated: 2022-02-17. Review status: criteria provided, single submitter. Criteria: Invitae Variant Classification Sherloc (09022015). Collection method: clinical testing. Allele origin: germline.
Comment: This variant has not been reported in the literature in individuals affected with ERCC3-related conditions. Algorithms developed to predict the effect of missense changes on protein structure and function (SIFT, PolyPhen-2, Align-GVGD) all suggest that this variant is likely to be tolerated. In summary, the available evidence is currently insufficient to determine the role of this variant in disease. Therefore, it has been classified as a Variant of Uncertain Significance. This variant is present in population databases (rs370645943, gnomAD 0.0009%). This sequence change replaces glutamine, which is neutral and polar, with arginine, which is basic and polar, at codon 388 of the ERCC3 protein (p.Gln388Arg).